The following is an entry in ClinVar:

NM_000051.4(ATM):c.8938C>G (p.Leu2980Val)

Genes: C11orf65 (chromosome 11 open reading frame 65; minus strand), ATM (ATM serine/threonine kinase; plus strand). Cytogenetic location: 11q22.3.
Variant type: single nucleotide variant.
Coding change: c.8938C>G on transcript NM_000051.4 (MANE Select); coding-DNA position 8938, C replaced by G.
Protein change: p.Leu2980Val; replaces leucine 2980 with valine.
Molecular consequence: missense variant. On other transcripts: intron variant (2).
Genome position (GRCh38, 1-based): chr11:108,365,169, C>G. VCF-style: chr11-108365169-C-G. GRCh37 (hg19) VCF-style: chr11-108235896-C-G.
Other names: c.8938C>G, p.Leu2980Val (NM_001351834.2); c.640+20751G>C (NM_001330368.2); c.694+20751G>C (NM_001351110.2); short protein forms L2980V.
Identifiers: ClinVar variation 482577 (VCV000482577.26), dbSNP rs786203721, ClinGen allele CA382530090.

ClinVar aggregate classification (germline): Conflicting classifications of pathogenicity. Review status: criteria provided, conflicting classifications (1 of 4 stars). 3 submissions from 3 submitters: Uncertain significance (1); Likely benign (1). 1 of the submissions does not count toward it. Last evaluated 2025-01-13.

Conditions:
Hereditary cancer-predisposing syndrome. Also called: Neoplastic Syndromes, Hereditary; Hereditary Cancer Syndrome; Tumor predisposition; Hereditary neoplastic syndrome. Identifiers: Orphanet 140162, MedGen C0027672, MeSH D009386, MONDO:0015356.
Ataxia-telangiectasia syndrome (AT). Also called: LOUIS-BAR SYNDROME; Cerebello-oculocutaneous telangiectasia; Immunodeficiency with ataxia telangiectasia; Ataxia-telangiectasia, complementation group D; AT, COMPLEMENTATION GROUP C; Ataxia-telangiectasia, complementation group E. Identifiers: Orphanet 100, MedGen C0004135, MONDO:0008840, OMIM 208900.

gnomAD v4.1: 1 of 1,614,222 alleles (0.000062%); highest among the groups gnomAD compares: African/African-American, 0.0013%; no homozygotes.

Submissions (3):

Ambry Genetics
Classification: Likely benign for Hereditary cancer-predisposing syndrome. Last evaluated: 2025-01-13. Review status: criteria provided, single submitter. Criteria: Ambry Variant Classification Scheme 2023. Collection method: clinical testing. Allele origin: germline.

Labcorp Genetics (formerly Invitae), Labcorp
Classification: Uncertain significance for Ataxia-telangiectasia syndrome. Last evaluated: 2024-09-23. Review status: criteria provided, single submitter. Criteria: Invitae Variant Classification Sherloc (09022015). Collection method: clinical testing. Allele origin: germline.
Comment: This sequence change replaces leucine, which is neutral and non-polar, with valine, which is neutral and non-polar, at codon 2980 of the ATM protein (p.Leu2980Val). This variant is not present in population databases (gnomAD no frequency). This variant has not been reported in the literature in individuals affected with ATM-related conditions. ClinVar contains an entry for this variant (Variation ID: 482577). An algorithm developed to predict the effect of missense changes on protein structure and function (PolyPhen-2) suggests that this variant is likely to be tolerated. In summary, the available evidence is currently insufficient to determine the role of this variant in disease. Therefore, it has been classified as a Variant of Uncertain Significance.

Natera, Inc.
Classification: Uncertain significance for Ataxia-telangiectasia. Last evaluated: 2020-09-08. Review status: no assertion criteria provided. Collection method: clinical testing. Allele origin: germline. Not counted in ClinVar's aggregate classification.